The following is an entry in ClinVar:

ClinVar aggregate classification (germline): Conflicting classifications of pathogenicity. Review status: criteria provided, conflicting classifications (1 of 4 stars). 4 submissions from 4 submitters: Pathogenic (1); Likely pathogenic (2); Uncertain significance (1). Last evaluated 2023-09-17.

Conditions:
Isolated thoracic aortic aneurysm.
Marfan Syndrome/Loeys-Dietz Syndrome/Familial Thoracic Aortic Aneurysms and Dissections. Identifiers: MedGen CN229799.
Marfan syndrome (MFS). Also called: MARFAN SYNDROME, TYPE I; FBN1-Related Marfan Syndrome; Marfan syndrome type 1; Marfan's syndrome; Marfan syndrome, classic. Identifiers: Orphanet 284963, Orphanet 558, MedGen C0024796, MONDO:0007947, OMIM 154700.
Familial thoracic aortic aneurysm and aortic dissection (TAAD). Also called: Thoracic aortic aneurysms and dissections. Identifiers: Orphanet 91387, MedGen C4707243, MONDO:0019625.

Submissions (4):

Labcorp Genetics (formerly Invitae), Labcorp
Classification: Pathogenic for Marfan syndrome; Familial thoracic aortic aneurysm and aortic dissection. Last evaluated: 2023-09-17. Review status: criteria provided, single submitter. Criteria: Invitae Variant Classification Sherloc (09022015). Collection method: clinical testing. Allele origin: germline.
Comment: For these reasons, this variant has been classified as Pathogenic. This variant disrupts the p.Gly1049 amino acid residue in FBN1. Other variant(s) that disrupt this residue have been determined to be pathogenic (Invitae). This suggests that this residue is clinically significant, and that variants that disrupt this residue are likely to be disease-causing. Advanced modeling of protein sequence and biophysical properties (such as structural, functional, and spatial information, amino acid conservation, physicochemical variation, residue mobility, and thermodynamic stability) performed at Invitae indicates that this missense variant is expected to disrupt FBN1 protein function. ClinVar contains an entry for this variant (Variation ID: 495585). This missense change has been observed in individual(s) with isolated thoracic aortic aneurysm and/or Marfan syndrome (PMID: 33824467; Invitae). This variant is not present in population databases (gnomAD no frequency). This sequence change replaces glycine, which is neutral and non-polar, with aspartic acid, which is acidic and polar, at codon 1049 of the FBN1 protein (p.Gly1049Asp).

Women's Health and Genetics/Laboratory Corporation of America, LabCorp
Classification: Likely pathogenic for Marfan Syndrome/Loeys-Dietz Syndrome/Familial Thoracic Aortic Aneurysms and Dissections. Last evaluated: 2023-06-21. Review status: criteria provided, single submitter. Criteria: LabCorp Variant Classification Summary - May 2015. Collection method: clinical testing. Allele origin: germline.
Comment: Variant summary: FBN1 c.3146G>A (p.Gly1049Asp) results in a non-conservative amino acid change located in the EGF-like domain (IPR000742) of the encoded protein sequence. Five of five in-silico tools predict a damaging effect of the variant on protein function. The variant was absent in 251486 control chromosomes. The available data on variant occurrences in the general population are insufficient to allow any conclusion about variant significance. c.3146G>A has been reported in the literature as a likely pathogenic variant in an individual affected with Marfan Syndrome and as a VUS in an individual affected with isolated thoracic aortic aneurysm (example, Meester_2021, Li_2021). It has also been observed to segregate with features of Marfan disease among individual(s) from a family referred for Marfan testing at our laboratory. These data indicate that the variant is likely to be associated with disease. To our knowledge, no experimental evidence demonstrating an impact on protein function has been reported. The following publications have been ascertained in the context of this evaluation (PMID: 33824467, 35058154). Three submitters have cited clinical-significance assessments for this variant to ClinVar after 2014 and classified as VUS (n=1) and likely pathogenic (n=2). Based on the evidence outlined above, the variant was classified as likely pathogenic.

Centre of Medical Genetics, University of Antwerp
Classification: Likely pathogenic for Marfan syndrome. Last evaluated: 2021-03-01. Review status: criteria provided, single submitter. Criteria: Submitter's publication. Collection method: research. Allele origin: unknown. Affected: yes.
Comment: PM2, PS6, PP4

Department of Vascular Biology, Beijing Anzhen Hospital
Classification: Uncertain significance for Isolated thoracic aortic aneurysm. Last evaluated: 2018-09-01. Review status: criteria provided, single submitter. Criteria: ACMG Guidelines, 2015. Collection method: research. Allele origin: germline. Affected: yes.

Literature cited by the submitters: PubMed 33824467 (cited by Labcorp Genetics (formerly Invitae), Labcorp and Women's Health and Genetics/Laboratory Corporation of America, LabCorp); PubMed 35058154 (cited by Women's Health and Genetics/Laboratory Corporation of America, LabCorp).

NM_000138.5(FBN1):c.3146G>A (p.Gly1049Asp)

Gene: FBN1 (fibrillin 1; minus strand). Cytogenetic location: 15q21.1.
Variant type: single nucleotide variant.
Coding change: c.3146G>A on transcript NM_000138.5 (MANE Select); coding-DNA position 3146, G replaced by A.
Protein change: p.Gly1049Asp; replaces glycine 1049 with aspartic acid.
Molecular consequence: missense variant.
Genome position (GRCh38, 1-based): chr15:48,488,430, C>T on the plus strand (G>A on the coding strand, the complement: FBN1 is on the minus strand). VCF-style: chr15-48488430-C-T. GRCh37 (hg19) VCF-style: chr15-48780627-C-T.
Other names: short protein forms G1049D.
Identifiers: ClinVar variation 495585 (VCV000495585.32), dbSNP rs1555398670, ClinGen allele CA392328099.